The following is an entry in ClinVar:

NM_006939.4(SOS2):c.3601_3605del (p.His1201fs)

Gene: SOS2 (SOS Ras/Rho guanine nucleotide exchange factor 2; minus strand). Cytogenetic location: 14q21.3.
Variant type: Deletion.
Coding change: c.3601_3605del on transcript NM_006939.4 (MANE Select); coding-DNA positions 3601 to 3605, 5 bases deleted (CATAG; older notation c.3601_3605delCATAG).
Protein change: p.His1201fs; shifts the reading frame from histidine 1201.
Molecular consequence: frameshift variant.
Genome position (GRCh38, 1-based): chr14:50,118,738-50,118,742, CTATG deleted on the plus strand (CATAG on the coding strand, the reverse complement: SOS2 is on the minus strand); deleting any 5 consecutive bases within chr14:50,118,738-50,118,743 gives the same sequence; the c. name uses the placement nearest the transcript's 3' end. VCF-style (leftmost placement, unchanged base first): chr14-50118737-ACTATG-A. GRCh37 (hg19) VCF-style: chr14-50585455-ACTATG-A.
Other names: c.3502_3506del, p.His1168fs (NM_001411020.1); short protein forms H1168fs, H1201fs.
Identifiers: ClinVar variation 3653201 (VCV003653201.2).
Genomic context (GRCh38, chr14:50,118,737, plus strand): 5'-CCGAAGGGGAACTGGTGGAGGGGTATCAGGAAGAGGATCTCTTGGTGGTGGCGGAGGTGG[ACTATG>A]CAGAGGCCCATCAAATGCACCAGTAGGAACAGGAACTCTGGGTTTTACCTTTGGAGGAGG-3'

ClinVar aggregate classification (germline): Uncertain significance (1 of 4 stars; one submission).

Conditions:
Noonan syndrome 9 (NS9). Identifiers: Orphanet 648, MedGen C4225282, MONDO:0014691, OMIM 616559.

Submission:

Labcorp Genetics (formerly Invitae), Labcorp
Classification: Uncertain significance for Noonan syndrome 9. Last evaluated: 2024-05-13. Review status: criteria provided, single submitter. Criteria: Invitae Variant Classification Sherloc (09022015). Collection method: clinical testing. Allele origin: germline.
Comment: This sequence change creates a premature translational stop signal (p.His1201Serfs*12) in the SOS2 gene. While this is not anticipated to result in nonsense mediated decay, it is expected to disrupt the last 132 amino acid(s) of the SOS2 protein. This variant is not present in population databases (gnomAD no frequency). This variant has not been reported in the literature in individuals affected with SOS2-related conditions. Experimental studies and prediction algorithms are not available or were not evaluated, and the functional significance of this variant is currently unknown. In summary, the available evidence is currently insufficient to determine the role of this variant in disease. Therefore, it has been classified as a Variant of Uncertain Significance.